The following is an entry in ClinVar:

ClinVar aggregate classification (germline): Pathogenic (1 of 4 stars; one submission).

Conditions:
Myasthenic syndrome, congenital, 22 (CMS22). Also called: PREPL DEFICIENCY. Identifiers: MedGen C4479088, MONDO:0044299, OMIM 616224.

Submission:

Labcorp Genetics (formerly Invitae), Labcorp
Classification: Pathogenic for Myasthenic syndrome, congenital, 22. Last evaluated: 2021-10-21. Review status: criteria provided, single submitter. Criteria: Invitae Variant Classification Sherloc (09022015). Collection method: clinical testing. Allele origin: germline.
Comment: This sequence change creates a premature translational stop signal (p.Gln80Lysfs*16) in the PREPL gene. It is expected to result in an absent or disrupted protein product. Loss-of-function variants in PREPL are known to be pathogenic (PMID: 24610330, 28726805, 29913539). For these reasons, this variant has been classified as Pathogenic. ClinVar contains an entry for this variant (Variation ID: 478314). This variant has not been reported in the literature in individuals affected with PREPL-related conditions. This variant is not present in population databases (ExAC no frequency).

Literature cited by the submitters: PubMed 24610330; PubMed 28726805; PubMed 29913539.

NM_001171613.2(PREPL):c.-31_-28del

Gene: PREPL (prolyl endopeptidase like; minus strand). Cytogenetic location: 2p21.
Variant type: Deletion.
Coding change: c.-31_-28del on transcript NM_001171613.2 (MANE Select); 31 bases upstream of the start codon through 28 bases upstream of the start codon, 4 bases deleted (ACAA; older notation c.-31_-28delACAA).
Molecular consequence: 5 prime UTR variant. On other transcripts: frameshift variant (7).
Genome position (GRCh38, 1-based): chr2:44,346,370-44,346,373, TTGT deleted on the plus strand (ACAA on the coding strand, the reverse complement: PREPL is on the minus strand); deleting any 4 consecutive bases within chr2:44,346,370-44,346,375 gives the same sequence; the c. name uses the placement nearest the transcript's 3' end. VCF-style (leftmost placement, unchanged base first): chr2-44346369-CTTGT-C. GRCh37 (hg19) VCF-style: chr2-44573508-CTTGT-C.
Other names: c.237_240delACAA (NM_006036.4); c.237_240del, p.Gln80fs (NM_001042385.2, NM_001042386.2, NM_001171603.1 and 4 more transcripts); c.-31_-28del (NM_001171617.1, NM_001374277.1); short protein forms Q80fs.
Identifiers: ClinVar variation 478314 (VCV000478314.6), dbSNP rs1553360075, ClinGen allele CA658657029.